The following is an entry in ClinVar:

NM_012418.4(FSCN2):c.368C>T (p.Thr123Ile)

Gene: FSCN2 (fascin actin-bundling protein 2, retinal; plus strand). Cytogenetic location: 17q25.3.
Variant type: single nucleotide variant.
Coding change: c.368C>T on transcript NM_012418.4 (MANE Select); coding-DNA position 368, C replaced by T.
Protein change: p.Thr123Ile; replaces threonine 123 with isoleucine.
Molecular consequence: missense variant.
Genome position (GRCh38, 1-based): chr17:81,528,899, C>T. VCF-style: chr17-81528899-C-T. GRCh37 (hg19) VCF-style: chr17-79495925-C-T.
Other names: c.368C>T, p.Thr123Ile (NM_001077182.3); c.368C>T (NM_001077182.2); short protein forms T123I.
Identifiers: ClinVar variation 2956536 (VCV002956536.5), dbSNP rs782561252, ClinGen allele CA8836658.

ClinVar aggregate classification (germline): Uncertain significance. Review status: criteria provided, multiple submitters, no conflicts (2 of 4 stars). 3 submissions from 3 submitters: Uncertain significance (2). 1 of the submissions does not count toward it. Last evaluated 2025-07-14.

Conditions:
Meniere disease. Also called: Ménière's disease. Identifiers: MedGen C0025281, MONDO:0007972, OMIM 156000.

Allele frequency attached by ClinVar (database versions not stated): ExAC 0.00003; gnomAD 0.00005; gnomAD exomes 0.00005; TOPMed 0.00007.
gnomAD v4.1: 77 of 1,582,908 alleles (0.0049%); highest among the groups gnomAD compares: African/African-American, 0.0094%; no homozygotes.

Submissions (3):

Labcorp Genetics (formerly Invitae), Labcorp
Classification: Uncertain significance. Last evaluated: 2025-07-14. Review status: criteria provided, single submitter. Criteria: Invitae Variant Classification Sherloc (09022015). Collection method: clinical testing. Allele origin: germline.
Comment: This sequence change replaces threonine, which is neutral and polar, with isoleucine, which is neutral and non-polar, at codon 123 of the FSCN2 protein (p.Thr123Ile). The frequency data for this variant in the population databases is considered unreliable, as metrics indicate poor data quality at this position in the gnomAD database. This variant has not been reported in the literature in individuals affected with FSCN2-related conditions. ClinVar contains an entry for this variant (Variation ID: 2956536). An algorithm developed to predict the effect of missense changes on protein structure and function (PolyPhen-2) suggests that this variant is likely to be disruptive. In summary, the available evidence is currently insufficient to determine the role of this variant in disease. Therefore, it has been classified as a Variant of Uncertain Significance.

Ambry Genetics
Classification: Uncertain significance. Last evaluated: 2025-06-17. Review status: criteria provided, single submitter. Criteria: Ambry Variant Classification Scheme 2023. Collection method: clinical testing. Allele origin: germline.

Center for Computational Biology & Bioinformatics, University of California, San Diego
Classification: Uncertain significance for Meniere disease. Last evaluated: 2024-06-03. Review status: no assertion criteria provided. Collection method: research. Allele origin: germline. Affected: yes. Not counted in ClinVar's aggregate classification.